The following is an entry in ClinVar:

ClinVar aggregate classification (germline): Uncertain significance (1 of 4 stars; one submission).

Conditions:
Skeletal overgrowth-craniofacial dysmorphism-hyperelastic skin-white matter lesions syndrome. Also called: SKELETAL OVERGROWTH WITH FACIAL DYSMORPHISM, HYPERELASTIC SKIN, WHITE MATTER LESIONS, AND NEUROLOGIC DETERIORATION; Kosaki overgrowth syndrome. Identifiers: Orphanet 477831, MedGen C4225270, MONDO:0014704, OMIM 616592.
Infantile myofibromatosis (IMF). Also called: Congenital generalized fibromatosis. Identifiers: Orphanet 2591, MedGen C0432284, MONDO:0016824.
Basal ganglia calcification, idiopathic, 4 (PFBC4). Also called: Familial Idiopathic Basal Ganglia Calcification 4; PRIMARY FAMILIAL BRAIN CALCIFICATION 4, AUTOSOMAL DOMINANT. Identifiers: Orphanet 1980, MedGen C3554321, MONDO:0014004, OMIM 615007.
Acroosteolysis-keloid-like lesions-premature aging syndrome. Also called: Premature aging syndrome, Penttinen type; Prematurely aged appearance, delayed bone maturation, acro-osteolysis, and brachydactyly; Progeroid syndrome, Penttinen type. Identifiers: Orphanet 363665, MedGen C1866182, MONDO:0011150, OMIM 601812.

gnomAD v4.1: 55 of 1,612,588 alleles (0.0034%); highest among the groups gnomAD compares: East Asian, 0.0067%; no homozygotes.

Submission:

Labcorp Genetics (formerly Invitae), Labcorp
Classification: Uncertain significance for Basal ganglia calcification, idiopathic, 4; Skeletal overgrowth-craniofacial dysmorphism-hyperelastic skin-white matter lesions syndrome; Infantile myofibromatosis; Acroosteolysis-keloid-like lesions-premature aging syndrome. Last evaluated: 2024-08-02. Review status: criteria provided, single submitter. Criteria: Invitae Variant Classification Sherloc (09022015). Collection method: clinical testing. Allele origin: germline.
Comment: This sequence change replaces threonine, which is neutral and polar, with arginine, which is basic and polar, at codon 433 of the PDGFRB protein (p.Thr433Arg). This variant is present in population databases (rs773179772, gnomAD 0.01%). This variant has not been reported in the literature in individuals affected with PDGFRB-related conditions. Advanced modeling of protein sequence and biophysical properties (such as structural, functional, and spatial information, amino acid conservation, physicochemical variation, residue mobility, and thermodynamic stability) performed at Invitae indicates that this missense variant is not expected to disrupt PDGFRB protein function with a negative predictive value of 80%. In summary, the available evidence is currently insufficient to determine the role of this variant in disease. Therefore, it has been classified as a Variant of Uncertain Significance.

NM_002609.4(PDGFRB):c.1298C>G (p.Thr433Arg)

Gene: PDGFRB (platelet derived growth factor receptor beta; minus strand). Cytogenetic location: 5q32.
Variant type: single nucleotide variant.
Coding change: c.1298C>G on transcript NM_002609.4 (MANE Select); coding-DNA position 1298, C replaced by G.
Protein change: p.Thr433Arg; replaces threonine 433 with arginine.
Molecular consequence: missense variant.
Genome position (GRCh38, 1-based): chr5:150,130,608, G>C on the plus strand (C>G on the coding strand, the complement: PDGFRB is on the minus strand). VCF-style: chr5-150130608-G-C. GRCh37 (hg19) VCF-style: chr5-149510171-G-C.
Other names: c.1106C>G, p.Thr369Arg (NM_001355016.2); c.815C>G, p.Thr272Arg (NM_001355017.2); short protein forms T272R, T369R, T433R.
Identifiers: ClinVar variation 3748126 (VCV003748126.2).